The following is an entry in ClinVar:

NM_032380.5(GFM2):c.430+3_430+5del

Gene: GFM2 (GTP dependent ribosome recycling factor mitochondrial 2; minus strand). Cytogenetic location: 5q13.3.
Variant type: Deletion.
Coding change: c.430+3_430+5del on transcript NM_032380.5 (MANE Select); bases 3 to 5 of the intron after coding-DNA position 430, 3 bases deleted (ATG; older notation c.430+3_430+5delATG).
Molecular consequence: intron variant.
Genome position (GRCh38, 1-based): chr5:74,751,363-74,751,365, CAT deleted on the plus strand (ATG on the coding strand, the reverse complement: GFM2 is on the minus strand). VCF-style (leftmost placement, unchanged base first): chr5-74751362-CCAT-C. GRCh37 (hg19) VCF-style: chr5-74047187-CCAT-C.
Other names: c.430+3_430+5del (NM_170691.3, NM_170681.3); c.526+3_526+5del (NM_001281302.2).
Identifiers: ClinVar variation 3366281 (VCV003366281.1).

ClinVar aggregate classification (germline): Uncertain significance (1 of 4 stars; one submission).

Submission:

GeneDx
Classification: Uncertain significance. Last evaluated: 2023-10-25. Review status: criteria provided, single submitter. Criteria: GeneDx Variant Classification Process June 2021. Collection method: clinical testing. Allele origin: germline. Affected: yes.
Comment: Not observed at significant frequency in large population cohorts (gnomAD); In silico analysis supports a deleterious effect on splicing; Has not been previously published as pathogenic or benign to our knowledge